The following is an entry in ClinVar:

NM_001009944.3(PKD1):c.7446C>T (p.Gly2482=)

Gene: PKD1 (polycystin 1, transient receptor potential channel interacting; minus strand). Cytogenetic location: 16p13.3.
Variant type: single nucleotide variant.
Coding change: c.7446C>T on transcript NM_001009944.3 (MANE Select); coding-DNA position 7446, C replaced by T.
Protein change: p.Gly2482=; no amino-acid change (glycine 2482 retained).
Molecular consequence: synonymous variant.
Genome position (GRCh38, 1-based): chr16:2,106,441, G>A on the plus strand (C>T on the coding strand, the complement: PKD1 is on the minus strand). VCF-style: chr16-2106441-G-A. GRCh37 (hg19) VCF-style: chr16-2156442-G-A.
Other names: c.7446C>T, p.Gly2482= (NM_000296.4).
Identifiers: ClinVar variation 3352305 (VCV003352305.1).

ClinVar aggregate classification (germline): Likely benign (0 of 4 stars; one submission).

Conditions:
PKD1-related disorder. Also called: PKD1-related condition.

gnomAD v4.1: 54 of 1,590,214 alleles (0.0034%); highest among the groups gnomAD compares: East Asian, 0.025%; no homozygotes.

Submission:

PreventionGenetics, part of Exact Sciences
Classification: Likely benign for PKD1-related condition. Last evaluated: 2024-03-29. Review status: no assertion criteria provided. Collection method: clinical testing. Allele origin: germline.
Comment: This variant is classified as likely benign based on ACMG/AMP sequence variant interpretation guidelines (Richards et al. 2015 PMID: 25741868, with internal and published modifications).